The following is an entry in ClinVar:

NM_005159.5(ACTC1):c.847A>C (p.Ser283Arg)

Genes: ACTC1 (actin alpha cardiac muscle 1; minus strand), GJD2-DT (GJD2 divergent transcript; plus strand). Cytogenetic location: 15q14.
Variant type: single nucleotide variant.
Coding change: c.847A>C on transcript NM_005159.5 (MANE Select); coding-DNA position 847, A replaced by C.
Protein change: p.Ser283Arg; replaces serine 283 with arginine.
Molecular consequence: missense variant.
Genome position (GRCh38, 1-based): chr15:34,791,257, T>G on the plus strand (A>C on the coding strand, the complement: ACTC1 is on the minus strand). VCF-style: chr15-34791257-T-G. GRCh37 (hg19) VCF-style: chr15-35083458-T-G.
Other names: c.847A>C, p.Ser283Arg (NM_001406482.1, NM_001406483.1); c.712A>C, p.Ser238Arg (NM_001406484.1); c.406A>C, p.Ser136Arg (NM_001406485.1); short protein forms S136R, S238R, S283R.
Identifiers: ClinVar variation 2444739 (VCV002444739.1), dbSNP rs751044644, ClinGen allele CA391629587.

ClinVar aggregate classification (germline): Uncertain significance (1 of 4 stars; one submission).

Submission:

GeneDx
Classification: Uncertain significance. Last evaluated: 2022-09-15. Review status: criteria provided, single submitter. Criteria: GeneDx Variant Classification Process June 2021. Collection method: clinical testing. Allele origin: germline. Affected: yes.
Comment: Has not been previously published as pathogenic or benign to our knowledge; Not observed at significant frequency in large population cohorts (gnomAD); In silico analysis supports that this missense variant has a deleterious effect on protein structure/function